The following is an entry in ClinVar:

ClinVar aggregate classification (germline): Uncertain significance. Review status: criteria provided, multiple submitters, no conflicts (2 of 4 stars). 3 submissions from 3 submitters: Uncertain significance (3). Last evaluated 2026-09-25.

Conditions:
TTN-related disorder. Also called: TTN-related condition; TTN-related disease; TTN-related disorders.
Tibial muscular dystrophy (TMD). Also called: UDD MYOPATHY; Tibial muscular dystrophy, tardive; Udd Distal Myopathy – Tibial Muscular Dystrophy. Identifiers: Orphanet 609, MedGen C1838244, MONDO:0010870, OMIM 600334.
Myopathy, myofibrillar, 9, with early respiratory failure (MFM9). Also called: MYOPATHY, PROXIMAL, WITH EARLY RESPIRATORY MUSCLE INVOLVEMENT; Hereditary myopathy with early respiratory failure; EDSTROM MYOPATHY; Myopathy, distal, with early respiratory failure, autosomal dominant. Identifiers: Orphanet 178464, Orphanet 34521, MedGen C1863599, MONDO:0011362, OMIM 603689.
Hypertrophic cardiomyopathy 9. Also called: Familial hypertrophic cardiomyopathy 9. Identifiers: MedGen C1861065, MONDO:0013412, OMIM 613765.
Dilated cardiomyopathy 1G (CMD1G). Identifiers: Orphanet 154, MedGen C1858763, MONDO:0011400, OMIM 604145.
Autosomal recessive limb-girdle muscular dystrophy type 2J (LGMDR10). Also called: Limb-girdle muscular dystrophy, type 2J; MUSCULAR DYSTROPHY, LIMB-GIRDLE, AUTOSOMAL RECESSIVE 10. Identifiers: Orphanet 140922, MedGen C1837342, MONDO:0012127, OMIM 608807.
Early-onset myopathy with fatal cardiomyopathy (CMYO5). Also called: Salih Myopathy; CONGENITAL MYOPATHY 5 WITH CARDIOMYOPATHY. Identifiers: Orphanet 289377, MedGen C2673677, MONDO:0012714, OMIM 611705. Disease mechanism: loss of function.

Allele frequency attached by ClinVar (database versions not stated): ExAC 0.00002; TOPMed 0.00003; gnomAD 0.00004; gnomAD exomes 0.00004.
gnomAD v4.1: 67 of 1,613,544 alleles (0.0042%); highest among the groups gnomAD compares: Admixed American, 0.005%; no homozygotes.

Submissions (3):

PreventionGenetics, part of Exact Sciences
Classification: Uncertain significance for TTN-related condition. Last evaluated: 2026-09-25. Review status: criteria provided, single submitter. Criteria: ACMG Guidelines, 2015. Collection method: clinical testing. Allele origin: germline.
Comment: The TTN c.23854G>A variant is predicted to result in the amino acid substitution p.Glu7952Lys. To our knowledge, this variant has not been reported in the literature. This variant is reported in 0.0065% of alleles in individuals of South Asian descent in gnomAD. At this time, the clinical significance of this variant is uncertain due to the absence of conclusive functional and genetic evidence.

Fulgent Genetics
Classification: Uncertain significance for Tibial muscular dystrophy; Myopathy, myofibrillar, 9, with early respiratory failure; Dilated cardiomyopathy 1G; Autosomal recessive limb-girdle muscular dystrophy type 2J; Early-onset myopathy with fatal cardiomyopathy; Hypertrophic cardiomyopathy 9. Last evaluated: 2024-06-13. Review status: criteria provided, single submitter. Criteria: ACMG Guidelines, 2015. Collection method: clinical testing. Allele origin: germline.

Revvity Omics, Revvity
Classification: Uncertain significance. Last evaluated: 2022-07-01. Review status: criteria provided, single submitter. Criteria: ACMG Guidelines, 2015. Collection method: clinical testing. Allele origin: germline.

NM_001267550.2(TTN):c.23854G>A (p.Glu7952Lys)

Gene: TTN (titin; minus strand). Cytogenetic location: 2q31.2.
Variant type: single nucleotide variant.
Coding change: c.23854G>A on transcript NM_001267550.2 (MANE Select); coding-DNA position 23854, G replaced by A.
Protein change: p.Glu7952Lys; replaces glutamic acid 7952 with lysine.
Molecular consequence: missense variant. On other transcripts: intron variant (3).
Genome position (GRCh38, 1-based): chr2:178,719,638, C>T on the plus strand (G>A on the coding strand, the complement: TTN is on the minus strand). VCF-style: chr2-178719638-C-T. GRCh37 (hg19) VCF-style: chr2-179584365-C-T.
Other names: c.22903G>A, p.Glu7635Lys (NM_001256850.1); c.20122G>A, p.Glu6708Lys (NM_133378.4); c.13282+18444G>A (NM_003319.4); c.13858+18444G>A (NM_133437.4); c.13657+18444G>A (NM_133432.3); short protein forms E6708K, E7635K, E7952K.
Identifiers: ClinVar variation 2438181 (VCV002438181.5), dbSNP rs752227139, ClinGen allele CA2000557.